The following is an entry in ClinVar:

ClinVar aggregate classification (germline): Uncertain significance. Review status: criteria provided, multiple submitters, no conflicts (2 of 4 stars). 2 submissions from 2 submitters: Uncertain significance (2). Last evaluated 2025-05-28.

Conditions:
Inborn genetic diseases. Identifiers: MedGen C0950123, MeSH D030342.

Allele frequency attached by ClinVar (database versions not stated): TOPMed below 0.00001.
gnomAD v4.1: 7 of 1,613,636 alleles (0.00043%); highest among the groups gnomAD compares: Middle Eastern, 0.016%; no homozygotes.

Submissions (2):

Ambry Genetics
Classification: Uncertain significance for Inborn genetic diseases. Last evaluated: 2025-05-28. Review status: criteria provided, single submitter. Criteria: Ambry Variant Classification Scheme 2023. Collection method: clinical testing. Allele origin: germline.

Labcorp Genetics (formerly Invitae), Labcorp
Classification: Uncertain significance. Last evaluated: 2022-07-25. Review status: criteria provided, single submitter. Criteria: Invitae Variant Classification Sherloc (09022015). Collection method: clinical testing. Allele origin: germline.
Comment: In summary, the available evidence is currently insufficient to determine the role of this variant in disease. Therefore, it has been classified as a Variant of Uncertain Significance. Advanced modeling of protein sequence and biophysical properties (such as structural, functional, and spatial information, amino acid conservation, physicochemical variation, residue mobility, and thermodynamic stability) performed at Invitae indicates that this missense variant is not expected to disrupt FAT4 protein function. This variant has not been reported in the literature in individuals affected with FAT4-related conditions. This variant is present in population databases (no rsID available, gnomAD 0.0009%). This sequence change replaces proline, which is neutral and non-polar, with leucine, which is neutral and non-polar, at codon 359 of the FAT4 protein (p.Pro359Leu).

NM_001291303.3(FAT4):c.1076C>T (p.Pro359Leu)

Gene: FAT4 (FAT atypical cadherin 4; plus strand). Cytogenetic location: 4q28.1.
Variant type: single nucleotide variant.
Coding change: c.1076C>T on transcript NM_001291303.3 (MANE Select); coding-DNA position 1076, C replaced by T.
Protein change: p.Pro359Leu; replaces proline 359 with leucine.
Molecular consequence: missense variant.
Genome position (GRCh38, 1-based): chr4:125,317,487, C>T. VCF-style: chr4-125317487-C-T. GRCh37 (hg19) VCF-style: chr4-126238642-C-T.
Other names: c.1076C>T, p.Pro359Leu (NM_001291285.3, NM_024582.6); c.1076C>T (NM_024582.4); short protein forms P359L.
Identifiers: ClinVar variation 2087347 (VCV002087347.3), dbSNP rs1274655349, ClinGen allele CA358117151.